The following is an entry in ClinVar:

ClinVar aggregate classification (germline): Uncertain significance (1 of 4 stars; one submission).

Allele frequency attached by ClinVar (database versions not stated): gnomAD exomes below 0.00001; gnomAD 0.00001.
gnomAD v4.1: 3 of 1,555,862 alleles (0.00019%); highest among the groups gnomAD compares: Admixed American, 0.0058%; no homozygotes.

Submission:

Labcorp Genetics (formerly Invitae), Labcorp
Classification: Uncertain significance. Last evaluated: 2022-03-01. Review status: criteria provided, single submitter. Criteria: Invitae Variant Classification Sherloc (09022015). Collection method: clinical testing. Allele origin: germline.
Comment: This variant is not present in population databases (gnomAD no frequency). In summary, the available evidence is currently insufficient to determine the role of this variant in disease. Therefore, it has been classified as a Variant of Uncertain Significance. Algorithms developed to predict the effect of missense changes on protein structure and function are either unavailable or do not agree on the potential impact of this missense change (SIFT: "Deleterious"; PolyPhen-2: "Probably Damaging"; Align-GVGD: "Class C0"). This variant has not been reported in the literature in individuals affected with ABCC6-related conditions. This sequence change replaces isoleucine, which is neutral and non-polar, with asparagine, which is neutral and polar, at codon 1297 of the ABCC6 protein (p.Ile1297Asn).

NM_001171.6(ABCC6):c.3890T>A (p.Ile1297Asn)

Gene: ABCC6 (ATP binding cassette subfamily C member 6; minus strand). Cytogenetic location: 16p13.11.
Variant type: single nucleotide variant.
Coding change: c.3890T>A on transcript NM_001171.6 (MANE Select); coding-DNA position 3890, T replaced by A.
Protein change: p.Ile1297Asn; replaces isoleucine 1297 with asparagine.
Molecular consequence: missense variant. On other transcripts: non-coding transcript variant (1).
Genome position (GRCh38, 1-based): chr16:16,155,024, A>T on the plus strand (T>A on the coding strand, the complement: ABCC6 is on the minus strand). VCF-style: chr16-16155024-A-T. GRCh37 (hg19) VCF-style: chr16-16248881-A-T.
Other names: c.3548T>A, p.Ile1183Asn (NM_001351800.1); short protein forms I1183N, I1297N.
Identifiers: ClinVar variation 1954662 (VCV001954662.5), dbSNP rs2046500980, ClinGen allele CA394876269.